The following is an entry in ClinVar:

NM_003482.4(KMT2D):c.10389G>A (p.Ser3463=)

Gene: KMT2D (lysine methyltransferase 2D; minus strand). Cytogenetic location: 12q13.12.
Variant type: single nucleotide variant.
Coding change: c.10389G>A on transcript NM_003482.4 (MANE Select); coding-DNA position 10389, G replaced by A.
Protein change: p.Ser3463=; no amino-acid change (serine 3463 retained).
Molecular consequence: synonymous variant.
Genome position (GRCh38, 1-based): chr12:49,034,633, C>T on the plus strand (G>A on the coding strand, the complement: KMT2D is on the minus strand). VCF-style: chr12-49034633-C-T. GRCh37 (hg19) VCF-style: chr12-49428416-C-T.
Other names: c.10389G>A (NM_003482.3).
Identifiers: ClinVar variation 1634902 (VCV001634902.10), dbSNP rs760133332, ClinGen allele CA6546522.

ClinVar aggregate classification (germline): Likely benign. Review status: criteria provided, multiple submitters, no conflicts (2 of 4 stars). 3 submissions from 3 submitters: Likely benign (3). Last evaluated 2025-12-29.

Conditions:
KMT2D-related disorder. Also called: KMT2D-Related Disorders.
Kabuki syndrome. Also called: NIIKAWA-KUROKI SYNDROME; Kabuki make-up syndrome. Identifiers: Orphanet 2322, MedGen C0796004, MONDO:0016512.

Allele frequency attached by ClinVar (database versions not stated): ExAC 0.00003; gnomAD exomes 0.00004; gnomAD 0.00008 and 0.00009; TOPMed 0.00008.
gnomAD v4.1: 55 of 1,613,460 alleles (0.0034%); highest among the groups gnomAD compares: Admixed American, 0.025%; no homozygotes.

Submissions (3):

Labcorp Genetics (formerly Invitae), Labcorp
Classification: Likely benign for Kabuki syndrome. Last evaluated: 2025-12-29. Review status: criteria provided, single submitter. Criteria: Invitae Variant Classification Sherloc (09022015). Collection method: clinical testing. Allele origin: germline.

Women's Health and Genetics/Laboratory Corporation of America, LabCorp
Classification: Likely benign. Last evaluated: 2025-05-28. Review status: criteria provided, single submitter. Criteria: LabCorp Variant Classification Summary - May 2015. Collection method: clinical testing. Allele origin: germline.

PreventionGenetics, part of Exact Sciences
Classification: Likely benign for KMT2D-related condition. Last evaluated: 2025-03-07. Review status: criteria provided, single submitter. Criteria: ACMG Guidelines, 2015. Collection method: clinical testing. Allele origin: germline.
Comment: This variant is classified as likely benign based on ACMG/AMP sequence variant interpretation guidelines (Richards et al. 2015 PMID: 25741868, with internal and published modifications).